The following is an entry in ClinVar:

NM_020297.4(ABCC9):c.2230A>G (p.Thr744Ala)

Gene: ABCC9 (ATP binding cassette subfamily C member 9; minus strand). Cytogenetic location: 12p12.1.
Variant type: single nucleotide variant.
Coding change: c.2230A>G on transcript NM_020297.4 (MANE Select); coding-DNA position 2230, A replaced by G.
Protein change: p.Thr744Ala; replaces threonine 744 with alanine.
Molecular consequence: missense variant.
Genome position (GRCh38, 1-based): chr12:21,864,446, T>C on the plus strand (A>G on the coding strand, the complement: ABCC9 is on the minus strand). VCF-style: chr12-21864446-T-C. GRCh37 (hg19) VCF-style: chr12-22017380-T-C.
Other names: c.2230A>G, p.Thr744Ala (NM_001377273.1, NM_005691.4); c.1366A>G, p.Thr456Ala (NM_001377274.1); short protein forms T456A, T744A.
Identifiers: ClinVar variation 1939424 (VCV001939424.5), dbSNP rs2541249146, ClinGen allele CA384130420.

ClinVar aggregate classification (germline): Uncertain significance (1 of 4 stars; one submission).

Conditions:
Dilated cardiomyopathy 1O (CMD1O). Also called: CARDIOMYOPATHY, DILATED, WITH VENTRICULAR TACHYCARDIA. Identifiers: Orphanet 154, MedGen C1837839, MONDO:0012062, OMIM 608569.

Allele frequency attached by ClinVar (database versions not stated): gnomAD exomes below 0.00001.
gnomAD v4.1: 1 of 1,588,136 alleles (0.000063%); highest among the groups gnomAD compares: Non-Finnish European, 0.000086%; no homozygotes.

Submission:

Labcorp Genetics (formerly Invitae), Labcorp
Classification: Uncertain significance for Dilated cardiomyopathy 1O. Last evaluated: 2023-11-27. Review status: criteria provided, single submitter. Criteria: Invitae Variant Classification Sherloc (09022015). Collection method: clinical testing. Allele origin: germline.
Comment: This sequence change replaces threonine, which is neutral and polar, with alanine, which is neutral and non-polar, at codon 744 of the ABCC9 protein (p.Thr744Ala). This variant is not present in population databases (gnomAD no frequency). This variant has not been reported in the literature in individuals affected with ABCC9-related conditions. ClinVar contains an entry for this variant (Variation ID: 1939424). Advanced modeling of protein sequence and biophysical properties (such as structural, functional, and spatial information, amino acid conservation, physicochemical variation, residue mobility, and thermodynamic stability) performed at Invitae indicates that this missense variant is not expected to disrupt ABCC9 protein function with a negative predictive value of 95%. In summary, the available evidence is currently insufficient to determine the role of this variant in disease. Therefore, it has been classified as a Variant of Uncertain Significance.